The following is an entry in ClinVar:

ClinVar aggregate classification (germline): Uncertain significance (1 of 4 stars; one submission).

Conditions:
Brachyolmia-amelogenesis imperfecta syndrome. Also called: PLATYSPONDYLY WITH AMELOGENESIS IMPERFECTA; Tooth agenesis, selective, 6; Dental anomalies and short stature. Identifiers: Orphanet 2899, MedGen C1832594, MONDO:0011018, OMIM 601216. Disease mechanism: loss of function.

gnomAD v4.1: 6 of 1,609,730 alleles (0.00037%); highest among the groups gnomAD compares: South Asian, 0.0033%; no homozygotes.

Submission:

Labcorp Genetics (formerly Invitae), Labcorp
Classification: Uncertain significance for Brachyolmia-amelogenesis imperfecta syndrome. Last evaluated: 2024-04-13. Review status: criteria provided, single submitter. Criteria: Invitae Variant Classification Sherloc (09022015). Collection method: clinical testing. Allele origin: germline.
Comment: This sequence change replaces glycine, which is neutral and non-polar, with valine, which is neutral and non-polar, at codon 152 of the LTBP3 protein (p.Gly152Val). The frequency data for this variant in the population databases is considered unreliable, as metrics indicate poor data quality at this position in the gnomAD database. This variant has not been reported in the literature in individuals affected with LTBP3-related conditions. An algorithm developed to predict the effect of missense changes on protein structure and function (PolyPhen-2) suggests that this variant is likely to be disruptive. In summary, the available evidence is currently insufficient to determine the role of this variant in disease. Therefore, it has been classified as a Variant of Uncertain Significance.

NM_001130144.3(LTBP3):c.455G>T (p.Gly152Val)

Gene: LTBP3 (latent transforming growth factor beta binding protein 3; minus strand). Cytogenetic location: 11q13.1.
Variant type: single nucleotide variant.
Coding change: c.455G>T on transcript NM_001130144.3 (MANE Select); coding-DNA position 455, G replaced by T.
Protein change: p.Gly152Val; replaces glycine 152 with valine.
Molecular consequence: missense variant.
Genome position (GRCh38, 1-based): chr11:65,554,257, C>A on the plus strand (G>T on the coding strand, the complement: LTBP3 is on the minus strand). VCF-style: chr11-65554257-C-A. GRCh37 (hg19) VCF-style: chr11-65321728-C-A.
Other names: c.104G>T, p.Gly35Val (NM_001164266.1); c.455G>T, p.Gly152Val (NM_021070.4); short protein forms G35V, G152V.
Identifiers: ClinVar variation 3702122 (VCV003702122.2).
Genomic context (GRCh38, chr11:65,554,257, plus strand): 5'-AGGGGCGGCAGCGCCCCTGTGGACAGGGCCCCTGTCCTGCTCAGGCCGGGGCCTGAGCCG[C>A]CGGTACCCCCACCGGCTCCTCCTGCGGGCACCTGGCAGAAGCGCCCAGTGAAGTCCGGGG-3'
Protein context (NP_001123616.1, residues 142-162): VPAGGAGGGT[Gly152Val]GSGPGLSRTG